The following is an entry in ClinVar:

NM_001365276.2(TNXB):c.9089G>A (p.Gly3030Asp)

Gene: TNXB (tenascin XB; minus strand). Cytogenetic location: 6p21.33.
Variant type: single nucleotide variant.
Coding change: c.9089G>A on transcript NM_001365276.2 (MANE Select); coding-DNA position 9089, G replaced by A.
Protein change: p.Gly3030Asp; replaces glycine 3030 with aspartic acid.
Molecular consequence: missense variant.
Genome position (GRCh38, 1-based): chr6:32,052,696, C>T on the plus strand (G>A on the coding strand, the complement: TNXB is on the minus strand). VCF-style: chr6-32052696-C-T. GRCh37 (hg19) VCF-style: chr6-32020473-C-T.
Other names: c.9083G>A, p.Gly3028Asp (NM_019105.8); short protein forms G3028D, G3030D.
Identifiers: ClinVar variation 1306133 (VCV001306133.4), dbSNP rs1443590183, ClinGen allele CA363544856.

ClinVar aggregate classification (germline): Uncertain significance. Review status: criteria provided, multiple submitters, no conflicts (2 of 4 stars). 2 submissions from 2 submitters: Uncertain significance (2). Last evaluated 2022-06-29.

Conditions:
Cardiovascular phenotype. Identifiers: MedGen CN230736.

Allele frequency attached by ClinVar (database versions not stated): gnomAD exomes below 0.00001; gnomAD 0.00001.
gnomAD v4.1: 5 of 1,613,436 alleles (0.00031%); highest among the groups gnomAD compares: Non-Finnish European, 0.00017%; no homozygotes.

Submissions (2):

Ambry Genetics
Classification: Uncertain significance for Cardiovascular phenotype. Last evaluated: 2022-06-29. Review status: criteria provided, single submitter. Criteria: Ambry Variant Classification Scheme 2023. Collection method: clinical testing. Allele origin: germline.

GeneDx
Classification: Uncertain significance. Last evaluated: 2019-05-28. Review status: criteria provided, single submitter. Criteria: GeneDx Variant Classification Process June 2021. Collection method: clinical testing. Allele origin: germline. Affected: yes.
Comment: Has not been previously published as pathogenic or benign to our knowledge; Not observed at a significant frequency in large population cohorts (Lek et al., 2016); In silico analysis, which includes protein predictors and evolutionary conservation, supports a deleterious effect